The following is an entry in ClinVar:

NM_006009.4(TUBA1A):c.188C>T (p.Pro63Leu)

Gene: TUBA1A (tubulin alpha 1a; minus strand). Cytogenetic location: 12q13.12.
Variant type: single nucleotide variant.
Coding change: c.188C>T on transcript NM_006009.4 (MANE Select); coding-DNA position 188, C replaced by T.
Protein change: p.Pro63Leu; replaces proline 63 with leucine.
Molecular consequence: missense variant.
Genome position (GRCh38, 1-based): chr12:49,186,649, G>A on the plus strand (C>T on the coding strand, the complement: TUBA1A is on the minus strand). VCF-style: chr12-49186649-G-A. GRCh37 (hg19) VCF-style: chr12-49580432-G-A.
Other names: c.188C>T, p.Pro63Leu (NM_001270399.2); c.83C>T, p.Pro28Leu (NM_001270400.2); short protein forms P28L, P63L.
Identifiers: ClinVar variation 1343239 (VCV001343239.4), dbSNP rs2121247772, ClinGen allele CA384644871.

ClinVar aggregate classification (germline): Conflicting classifications of pathogenicity. Review status: criteria provided, conflicting classifications (1 of 4 stars). 2 submissions from 2 submitters: Likely pathogenic (1); Uncertain significance (1). Last evaluated 2025-11-17.

Conditions:
TUBA1A-associated tubulinopathy.

Submissions (2):

Labcorp Genetics (formerly Invitae), Labcorp
Classification: Uncertain significance. Last evaluated: 2025-11-17. Review status: criteria provided, single submitter. Criteria: Invitae Variant Classification Sherloc (09022015). Collection method: clinical testing. Allele origin: germline.
Comment: This sequence change replaces proline, which is neutral and non-polar, with leucine, which is neutral and non-polar, at codon 63 of the TUBA1A protein (p.Pro63Leu). This variant is not present in population databases (gnomAD no frequency). This variant has not been reported in the literature in individuals affected with TUBA1A-related conditions. ClinVar contains an entry for this variant (Variation ID: 1343239). Invitae Evidence Modeling of protein sequence and biophysical properties (such as structural, functional, and spatial information, amino acid conservation, physicochemical variation, residue mobility, and thermodynamic stability) indicates that this missense variant is expected to disrupt TUBA1A protein function with a positive predictive value of 80%. In summary, the available evidence is currently insufficient to determine the role of this variant in disease. Therefore, it has been classified as a Variant of Uncertain Significance.

Institute of Human Genetics, Clinical Exome/Genome Diagnostics Group, University Hospital Bonn
Classification: Likely pathogenic for TUBA1A-associated tubulinopathy. Last evaluated: 2021-07-30. Review status: criteria provided, single submitter. Criteria: ACMG Guidelines, 2015. Collection method: clinical testing. Allele origin: de novo. Affected: yes.
Comment: PS2, PM2, PP2, PP3